The following is an entry in ClinVar:

NM_032730.5(RTN4IP1):c.210T>C (p.Tyr70=)

Gene: RTN4IP1 (reticulon 4 interacting protein 1; minus strand). Cytogenetic location: 6q21.
Variant type: single nucleotide variant.
Coding change: c.210T>C on transcript NM_032730.5 (MANE Select); coding-DNA position 210, T replaced by C.
Protein change: p.Tyr70=; no amino-acid change (tyrosine 70 retained).
Molecular consequence: synonymous variant. On other transcripts: intron variant (1).
Genome position (GRCh38, 1-based): chr6:106,628,812, A>G on the plus strand (T>C on the coding strand, the complement: RTN4IP1 is on the minus strand). VCF-style: chr6-106628812-A-G. GRCh37 (hg19) VCF-style: chr6-107076687-A-G.
Other names: c.-27+1515T>C (NM_001318746.1).
Identifiers: ClinVar variation 1166557 (VCV001166557.15), dbSNP rs151062845, ClinGen allele CA3944573.

ClinVar aggregate classification (germline): Benign/Likely benign. Review status: criteria provided, multiple submitters, no conflicts (2 of 4 stars). 3 submissions from 3 submitters: Benign (1); Likely benign (2). Last evaluated 2025-12-13.

Allele frequency attached by ClinVar (database versions not stated): gnomAD 0.00014; 1000 Genomes Project 30x 0.00016; TOPMed 0.00017; 1000 Genomes Project 0.00020; ExAC 0.00030; ESP Exome Variant Server 0.00031; gnomAD exomes 0.00035.
gnomAD v4.1: 242 of 1,614,018 alleles (0.015%); highest among the groups gnomAD compares: Middle Eastern, 0.099%; 1 homozygote.

Submissions (3):

Labcorp Genetics (formerly Invitae), Labcorp
Classification: Benign. Last evaluated: 2025-12-13. Review status: criteria provided, single submitter. Criteria: Invitae Variant Classification Sherloc (09022015). Collection method: clinical testing. Allele origin: germline.

CeGaT Center for Human Genetics Tuebingen
Classification: Likely benign. Last evaluated: 2025-12-01. Review status: criteria provided, single submitter. Criteria: CeGaT Center For Human Genetics Tuebingen Variant Classification Criteria Version 2. Collection method: clinical testing. Allele origin: germline. Affected: yes. Observed: 1 variant allele.
Comment: RTN4IP1: BP4, BP7

Blueprint Genetics
Classification: Likely benign. Last evaluated: 2024-04-25. Review status: criteria provided, single submitter. Criteria: ACMG Guidelines, 2015. Collection method: clinical testing. Allele origin: germline.